The following is an entry in ClinVar:

ClinVar aggregate classification (germline): Uncertain significance. Review status: criteria provided, multiple submitters, no conflicts (2 of 4 stars). 3 submissions from 3 submitters: Uncertain significance (3). Last evaluated 2024-06-16.

Conditions:
Inborn genetic diseases. Identifiers: MedGen C0950123, MeSH D030342.

Allele frequency attached by ClinVar (database versions not stated): ExAC 0.00005; gnomAD 0.00007; TOPMed 0.00008; gnomAD exomes 0.00010; 1000 Genomes Project 30x 0.00016; 1000 Genomes Project 0.00020.
gnomAD v4.1: 166 of 1,610,834 alleles (0.01%); highest among the groups gnomAD compares: East Asian, 0.016%; no homozygotes.

Submissions (3):

Ambry Genetics
Classification: Uncertain significance for Inborn genetic diseases. Last evaluated: 2024-06-16. Review status: criteria provided, single submitter. Criteria: Ambry Variant Classification Scheme 2023. Collection method: clinical testing. Allele origin: germline.

Labcorp Genetics (formerly Invitae), Labcorp
Classification: Uncertain significance. Last evaluated: 2022-05-05. Review status: criteria provided, single submitter. Criteria: Invitae Variant Classification Sherloc (09022015). Collection method: clinical testing. Allele origin: germline.
Comment: This variant has not been reported in the literature in individuals affected with HSPG2-related conditions. This sequence change replaces arginine, which is basic and polar, with cysteine, which is neutral and slightly polar, at codon 534 of the HSPG2 protein (p.Arg534Cys). This variant is present in population databases (rs201909485, gnomAD 0.01%). Algorithms developed to predict the effect of missense changes on protein structure and function (SIFT, PolyPhen-2, Align-GVGD) all suggest that this variant is likely to be tolerated. In summary, the available evidence is currently insufficient to determine the role of this variant in disease. Therefore, it has been classified as a Variant of Uncertain Significance.

Revvity Omics, Revvity
Classification: Uncertain significance. Last evaluated: 2019-05-28. Review status: criteria provided, single submitter. Criteria: ACMG Guidelines, 2015. Collection method: clinical testing. Allele origin: germline.

NM_005529.7(HSPG2):c.1600C>T (p.Arg534Cys)

Gene: HSPG2 (heparan sulfate proteoglycan 2; minus strand). Cytogenetic location: 1p36.12.
Variant type: single nucleotide variant.
Coding change: c.1600C>T on transcript NM_005529.7 (MANE Select); coding-DNA position 1600, C replaced by T.
Protein change: p.Arg534Cys; replaces arginine 534 with cysteine.
Molecular consequence: missense variant.
Genome position (GRCh38, 1-based): chr1:21,884,582, G>A on the plus strand (C>T on the coding strand, the complement: HSPG2 is on the minus strand). VCF-style: chr1-21884582-G-A. GRCh37 (hg19) VCF-style: chr1-22211075-G-A.
Other names: c.1600C>T (NM_005529.5); c.1603C>T, p.Arg535Cys (NM_001291860.2); short protein forms R534C, R535C.
Identifiers: ClinVar variation 2421804 (VCV002421804.8), dbSNP rs201909485, ClinGen allele CA673376.
Genomic context (GRCh38, chr1:21,884,582, plus strand): 5'-ACGCACCCTTGAAGTCATCGGGTTGGTCAAAGCGCAGCCTGATCTGGTCCCGGAAGCGGC[G>A]GGTGCTCTGGCACACGCTGGTGATGCCAAAGCAGAAGCAGGGCAGGCAGGCGGCGCTGTG-3'
Protein context (NP_005520.4, residues 524-544): FGITSVCQST[Arg534Cys]RFRDQIRLRF